The following is an entry in ClinVar:

NM_133459.4(CCBE1):c.*1434C>G

Gene: CCBE1 (collagen and calcium binding EGF domains 1; minus strand). Cytogenetic location: 18q21.32.
Variant type: single nucleotide variant.
Coding change: c.*1434C>G on transcript NM_133459.4 (MANE Select); 1434 bases downstream of the stop codon, C replaced by G.
Molecular consequence: 3 prime UTR variant.
Genome position (GRCh38, 1-based): chr18:59,434,474, G>C on the plus strand (C>G on the coding strand, the complement: CCBE1 is on the minus strand). VCF-style: chr18-59434474-G-C. GRCh37 (hg19) VCF-style: chr18-57101706-G-C.
Other names: c.*1434C>G (LRG_1209t1).
Identifiers: ClinVar variation 327672 (VCV000327672.5), dbSNP rs144479124, ClinGen allele CA10652056.

ClinVar aggregate classification (germline): Likely benign (1 of 4 stars; one submission).

Conditions:
Hennekam lymphangiectasia-lymphedema syndrome 1 (HKLLS1). Also called: LYMPHATIC DYSPLASIA, GENERALIZED. Identifiers: Orphanet 2136, MedGen C4012050, MONDO:0009337, OMIM 235510.

Allele frequency attached by ClinVar (database versions not stated): 1000 Genomes Project 30x 0.00281; 1000 Genomes Project 0.00319; gnomAD 0.00343 and 0.00377; TOPMed 0.00383.

Submission:

Illumina Laboratory Services, Illumina
Classification: Likely benign for Hennekam lymphangiectasia-lymphedema syndrome 1. Last evaluated: 2018-01-12. Review status: criteria provided, single submitter. Criteria: ICSL Variant Classification Criteria 13 December 2019. Collection method: clinical testing. Allele origin: germline.
Comment: This variant was observed in the ICSL laboratory as part of a predisposition screen in an ostensibly healthy population. It had not been previously curated by ICSL or reported in the Human Gene Mutation Database (HGMD: prior to June 1st, 2018), and was therefore a candidate for classification through an automated scoring system. Utilizing variant allele frequency, disease prevalence and penetrance estimates, and inheritance mode, an automated score was calculated to assess if this variant is too frequent to cause the disease. Based on the score and internal cut-off values, a variant classified as likely benign is not then subjected to further curation. The score for this variant resulted in a classification of likely benign for this disease.